The following is an entry in ClinVar:

NM_001397406.1(FDX2):c.272T>G (p.Leu91Arg)

Genes: FDX2 (ferredoxin 2; minus strand), FDX2-ZGLP1 (FDX2-ZGLP1 readthrough (NMD candidate); minus strand). Cytogenetic location: 19p13.2.
Variant type: single nucleotide variant.
Coding change: c.272T>G on transcript NM_001397406.1 (MANE Select); coding-DNA position 272, T replaced by G.
Protein change: p.Leu91Arg; replaces leucine 91 with arginine.
Molecular consequence: missense variant. On other transcripts: non-coding transcript variant (2).
Genome position (GRCh38, 1-based): chr19:10,315,421, A>C on the plus strand (T>G on the coding strand, the complement: FDX2 is on the minus strand). VCF-style: chr19-10315421-A-C. GRCh37 (hg19) VCF-style: chr19-10426097-A-C.
Other names: c.281T>G (NM_001031734.4); short protein forms L91R.
Identifiers: ClinVar variation 4854227 (VCV004854227.1).

ClinVar aggregate classification (germline): Uncertain significance (1 of 4 stars; one submission).

Conditions:
Mitochondrial myopathy, episodic, with optic atrophy and reversible leukoencephalopathy. Also called: MITOCHONDRIAL MYOPATHY, EPISODIC, WITH OR WITHOUT OPTIC ATROPHY AND REVERSIBLE LEUKOENCEPHALOPATHY; MULTIPLE MITOCHONDRIAL DYSFUNCTIONS SYNDROME 8. Identifiers: MedGen C5193223, MONDO:0020714, OMIM 251900.

Submission:

3billion
Classification: Uncertain significance for Mitochondrial myopathy, episodic, with optic atrophy and reversible leukoencephalopathy. Last evaluated: 2025-05-08. Review status: criteria provided, single submitter. Criteria: ACMG Guidelines, 2015. Collection method: clinical testing. Allele origin: germline. Affected: yes.
Comment: The variant is not observed in the gnomAD v4.1.0 dataset. Predicted Consequence/Location: Missense variant In silico tool predictions suggest damaging effect of the variant on gene or gene product [REVEL: 0.94 (>=0.6, sensitivity 0.68 and specificity 0.92)]. Different missense changes at the same codon have been reported as of uncertain significance (ClinVar ID: VCV002683477). Therefore, this variant is classified as VUS according to the recommendation of ACMG/AMP guideline.